The following is an entry in ClinVar:

NM_016529.6(ATP8A2):c.3474G>A (p.Gly1158=)

Gene: ATP8A2 (ATPase phospholipid transporting 8A2). Cytogenetic location: 13q12.13.
Variant type: single nucleotide variant.
Coding change: c.3474G>A on transcript NM_016529.6 (MANE Select); coding-DNA position 3474, G replaced by A.
Protein change: p.Gly1158=; no amino-acid change (glycine 1158 retained).
Molecular consequence: synonymous variant.
Genome position (GRCh38, 1-based): chr13:26,019,892, G>A. VCF-style: chr13-26019892-G-A. GRCh37 (hg19) VCF-style: chr13-26594030-G-A.
Other names: c.3279G>A, p.Gly1093= (NM_001313741.1); c.3399G>A, p.Gly1133= (NM_001411005.1).
Identifiers: ClinVar variation 1975370 (VCV001975370.5), dbSNP rs2541937395, ClinGen allele CA483006644.

ClinVar aggregate classification (germline): Uncertain significance (1 of 4 stars; one submission).

Submission:

Labcorp Genetics (formerly Invitae), Labcorp
Classification: Uncertain significance. Last evaluated: 2022-05-20. Review status: criteria provided, single submitter. Criteria: Invitae Variant Classification Sherloc (09022015). Collection method: clinical testing. Allele origin: germline.
Comment: In summary, the available evidence is currently insufficient to determine the role of this variant in disease. Therefore, it has been classified as a Variant of Uncertain Significance. Algorithms developed to predict the effect of sequence changes on RNA splicing suggest that this variant may create or strengthen a splice site. This variant has not been reported in the literature in individuals affected with ATP8A2-related conditions. This variant is not present in population databases (gnomAD no frequency). This sequence change affects codon 1158 of the ATP8A2 mRNA. It is a 'silent' change, meaning that it does not change the encoded amino acid sequence of the ATP8A2 protein.